The following is an entry in ClinVar:

ClinVar aggregate classification (germline): Pathogenic (1 of 4 stars; one submission).

Conditions:
Lowe syndrome (OCRL). Also called: LOWE OCULOCEREBRORENAL SYNDROME; PHOSPHATIDYLINOSITOL 4,5-BISPHOSPHATE 5-PHOSPHATASE DEFICIENCY; Oculocerebrorenal Syndrome. Identifiers: Orphanet 534, MedGen C0028860, MONDO:0010645, OMIM 309000.

Submission:

Labcorp Genetics (formerly Invitae), Labcorp
Classification: Pathogenic for Lowe syndrome. Last evaluated: 2024-10-23. Review status: criteria provided, single submitter. Criteria: Invitae Variant Classification Sherloc (09022015). Collection method: clinical testing. Allele origin: germline.
Comment: This sequence change creates a premature translational stop signal (p.Glu571Glyfs*7) in the OCRL gene. It is expected to result in an absent or disrupted protein product. Loss-of-function variants in OCRL are known to be pathogenic (PMID: 19390221, 21031565, 22381590). This variant is not present in population databases (gnomAD no frequency). This variant has not been reported in the literature in individuals affected with OCRL-related conditions. ClinVar contains an entry for this variant (Variation ID: 2018423). For these reasons, this variant has been classified as Pathogenic.

Literature cited by the submitters: PubMed 19390221; PubMed 21031565; PubMed 22381590.

NM_000276.4(OCRL):c.1712del (p.Glu571fs)

Gene: OCRL (OCRL inositol polyphosphate-5-phosphatase; plus strand). Cytogenetic location: Xq26.1.
Variant type: Deletion.
Coding change: c.1712del on transcript NM_000276.4 (MANE Select); coding-DNA position 1712, one base deleted (A; older notation c.1712delA).
Protein change: p.Glu571fs; shifts the reading frame from glutamic acid 571.
Molecular consequence: frameshift variant.
Genome position (GRCh38, 1-based): chrX:129,575,249, A deleted. VCF-style (leftmost placement, unchanged base first): chrX-129575248-GA-G. GRCh37 (hg19) VCF-style: chrX-128709225-GA-G.
Other names: c.1715del, p.Glu572fs (NM_001318784.2); c.1712del, p.Glu571fs (NM_001587.4); short protein forms E572fs, E571fs.
Identifiers: ClinVar variation 2018423 (VCV002018423.4), dbSNP rs2521918354, ClinGen allele CA2580101448.